The following is an entry in ClinVar:

ClinVar aggregate classification (germline): Conflicting classifications of pathogenicity. Review status: criteria provided, conflicting classifications (1 of 4 stars). 2 submissions from 2 submitters: Uncertain significance (1); Benign (1). Last evaluated 2018-09-04.

Conditions:
Maturity-onset diabetes of the young type 10. Identifiers: Orphanet 552, MedGen C3150617, MONDO:0013240, OMIM 613370.

Allele frequency attached by ClinVar (database versions not stated): gnomAD 0.06829 and 0.07357; 1000 Genomes Project 0.07069; 1000 Genomes Project 30x 0.07542; TOPMed 0.07868.

Submissions (2):

GeneDx
Classification: Benign. Last evaluated: 2018-09-04. Review status: criteria provided, single submitter. Criteria: GeneDx Variant Classification Process June 2021. Collection method: clinical testing. Allele origin: germline. Affected: yes.
Comment: This variant is associated with the following publications: (PMID: 16380501, 20628762, 19247282)

Clinical Genomics, Uppaluri K&H Personalized Medicine Clinic
Classification: Uncertain significance for Maturity-onset diabetes of the young type 10. Review status: criteria provided, single submitter. Criteria: K & H Uppaluri Personalized Medicine Clinic Variant Classification & Assertion Criteria_Updated V.1. Collection method: research. Allele origin: unknown. Inheritance: Autosomal dominant inheritance.
Comment: Potent mutations in INS gene can cause early onset diabetes mellitus which is insulin dependent. May have poor response to sulfonylureas, as mutations in this gene can cause beta cell destruction. However no sufficient evidence is found to ascertain the role of this particular variant rs3842740, yet.

Literature cited by the submitters: PubMed 18171712 (cited by Clinical Genomics, Uppaluri K&H Personalized Medicine Clinic); PubMed 11921414 (cited by Clinical Genomics, Uppaluri K&H Personalized Medicine Clinic); PubMed 25542748 (cited by Clinical Genomics, Uppaluri K&H Personalized Medicine Clinic); PubMed 26101329 (cited by Clinical Genomics, Uppaluri K&H Personalized Medicine Clinic).

NM_000207.3(INS):c.-18+4_-18+5insTTGC

Genes: INS-IGF2 (INS-IGF2 readthrough; minus strand), INS (insulin; minus strand). Cytogenetic location: 11p15.5.
Variant type: Insertion.
Coding change: c.-18+4_-18+5insTTGC on transcript NM_000207.3 (MANE Select); bases 4 to 5 of the intron after 18 bases upstream of the start codon, TTGC inserted.
Molecular consequence: intron variant. On other transcripts: 5 prime UTR variant (3).
Genome position: GRCh38 VCF-style: chr11-2161163-C-CGCAA. GRCh37 (hg19) VCF-style: chr11-2182393-C-CGCAA.
Other names: c.-40_-39insTTGC (NM_001185097.2); c.-193_-192insTTGC (NM_001185098.2); c.-74_-73insTTGC (NM_001291897.2); c.-18+4_-18+5insTTGC (NM_001042376.3).
Identifiers: ClinVar variation 304060 (VCV000304060.8), dbSNP rs3842740, ClinGen allele CA10638760.